The following is an entry in ClinVar:

ClinVar aggregate classification (germline): Uncertain significance (1 of 4 stars; one submission).

Allele frequency attached by ClinVar (database versions not stated): ExAC 0.00001.
gnomAD v4.1: 3 of 1,613,940 alleles (0.00019%); highest among the groups gnomAD compares: Admixed American, 0.005%; no homozygotes.

Submission:

Labcorp Genetics (formerly Invitae), Labcorp
Classification: Uncertain significance. Last evaluated: 2024-07-17. Review status: criteria provided, single submitter. Criteria: Invitae Variant Classification Sherloc (09022015). Collection method: clinical testing. Allele origin: germline.
Comment: This sequence change replaces glutamine, which is neutral and polar, with proline, which is neutral and non-polar, at codon 555 of the FRAS1 protein (p.Gln555Pro). This variant is present in population databases (rs765723484, gnomAD 0.009%). This variant has not been reported in the literature in individuals affected with FRAS1-related conditions. ClinVar contains an entry for this variant (Variation ID: 1938684). An algorithm developed to predict the effect of missense changes on protein structure and function (PolyPhen-2) suggests that this variant is likely to be tolerated. In summary, the available evidence is currently insufficient to determine the role of this variant in disease. Therefore, it has been classified as a Variant of Uncertain Significance.

NM_025074.7(FRAS1):c.1664A>C (p.Gln555Pro)

Gene: FRAS1 (Fraser extracellular matrix complex subunit 1; plus strand). Cytogenetic location: 4q21.21.
Variant type: single nucleotide variant.
Coding change: c.1664A>C on transcript NM_025074.7 (MANE Select); coding-DNA position 1664, A replaced by C.
Protein change: p.Gln555Pro; replaces glutamine 555 with proline.
Molecular consequence: missense variant.
Genome position (GRCh38, 1-based): chr4:78,308,195, A>C. VCF-style: chr4-78308195-A-C. GRCh37 (hg19) VCF-style: chr4-79229349-A-C.
Other names: c.1664A>C, p.Gln555Pro (NM_001166133.2); short protein forms Q555P.
Identifiers: ClinVar variation 1938684 (VCV001938684.5), dbSNP rs765723484, ClinGen allele CA2976382.